The following is an entry in ClinVar:

NM_001429.4(EP300):c.1931T>G (p.Leu644Arg)

Gene: EP300 (E1A binding protein p300; plus strand). Cytogenetic location: 22q13.2.
Variant type: single nucleotide variant.
Coding change: c.1931T>G on transcript NM_001429.4 (MANE Select); coding-DNA position 1931, T replaced by G.
Protein change: p.Leu644Arg; replaces leucine 644 with arginine.
Molecular consequence: missense variant.
Genome position (GRCh38, 1-based): chr22:41,141,100, T>G. VCF-style: chr22-41141100-T-G. GRCh37 (hg19) VCF-style: chr22-41537104-T-G.
Other names: c.1931T>G, p.Leu644Arg (NM_001362843.2); short protein forms L644R.
Identifiers: ClinVar variation 3061305 (VCV003061305.2), dbSNP rs761263817, ClinGen allele CA10252676.
Genomic context (GRCh38, chr22:41,141,100, plus strand): 5'-TTCAAAAGGCGGAATACTACCACCTTCTAGCTGAGAAAATCTATAAGATCCAGAAAGAAC[T>G]AGAAGAAAAACGAAGGACCAGACTACAGAAGCAGAACATGCTACCAAATGCTGCAGGCAT-3'
Protein context (NP_001420.2, residues 634-654): AEKIYKIQKE[Leu644Arg]EEKRRTRLQK

ClinVar aggregate classification (germline): Uncertain significance (0 of 4 stars; one submission).

Conditions:
EP300-related disorder. Also called: EP300-related disorders; EP300-related condition.

Allele frequency attached by ClinVar (database versions not stated): gnomAD exomes below 0.00001; ExAC 0.00001.
gnomAD v4.1: 1 of 1,614,102 alleles (0.000062%); highest among the groups gnomAD compares: Non-Finnish European, 0.000085%; no homozygotes.

Submission:

PreventionGenetics, part of Exact Sciences
Classification: Uncertain significance for EP300-related condition. Last evaluated: 2024-03-01. Review status: no assertion criteria provided. Collection method: clinical testing. Allele origin: germline.
Comment: The EP300 c.1931T>G variant is predicted to result in the amino acid substitution p.Leu644Arg. To our knowledge, this variant has not been reported in the literature. This variant is reported in 0.00088% of alleles in individuals of European (Non-Finnish) descent in gnomAD. At this time, the clinical significance of this variant is uncertain due to the absence of conclusive functional and genetic evidence.